The following is an entry in ClinVar:

ClinVar aggregate classification (germline): Uncertain significance (1 of 4 stars; one submission).

Conditions:
Hereditary cancer-predisposing syndrome. Also called: Neoplastic Syndromes, Hereditary; Tumor predisposition; Hereditary Cancer Syndrome; Hereditary neoplastic syndrome. Identifiers: Orphanet 140162, MedGen C0027672, MeSH D009386, MONDO:0015356.

Submission:

Ambry Genetics
Classification: Uncertain significance for Hereditary cancer-predisposing syndrome. Last evaluated: 2019-09-10. Review status: criteria provided, single submitter. Criteria: Ambry Variant Classification Scheme 2023. Collection method: clinical testing. Allele origin: germline.
Comment: The p.S58N variant (also known as c.173G>A), located in coding exon 3 of the NBN gene, results from a G to A substitution at nucleotide position 173. The serine at codon 58 is replaced by asparagine, an amino acid with highly similar properties. This amino acid position is highly conserved in available vertebrate species. In addition, this alteration is predicted to be tolerated by in silico analysis. Since supporting evidence is limited at this time, the clinical significance of this alteration remains unclear.

NM_002485.5(NBN):c.173G>A (p.Ser58Asn)

Gene: NBN (nibrin; minus strand). Cytogenetic location: 8q21.3.
Variant type: single nucleotide variant.
Coding change: c.173G>A on transcript NM_002485.5 (MANE Select); coding-DNA position 173, G replaced by A.
Protein change: p.Ser58Asn; replaces serine 58 with asparagine.
Molecular consequence: missense variant. On other transcripts: 5 prime UTR variant (1).
Genome position (GRCh38, 1-based): chr8:89,981,522, C>T on the plus strand (G>A on the coding strand, the complement: NBN is on the minus strand). VCF-style: chr8-89981522-C-T. GRCh37 (hg19) VCF-style: chr8-90993750-C-T.
Other names: c.-74G>A (NM_001024688.3); short protein forms S58N.
Identifiers: ClinVar variation 819963 (VCV000819963.4), dbSNP rs1586109204, ClinGen allele CA371662645.
Genomic context (GRCh38, chr8:89,981,522, plus strand): 5'-ACAAAGGTACCATACTTAGAATTATCTTTTAATGTCAATACAGGGATTTCATCTGTTTGA[C>T]TCTGAAAAGTTAGCAAATAATTTAAAGTCTTTTACCACTCAGTACATTCACTTCTCAGAG-3'
Protein context (NP_002476.2, residues 48-68): LTANFSVTNL[Ser58Asn]QTDEIPVLTL